The following is an entry in ClinVar:

ClinVar aggregate classification (germline): Likely benign (0 of 4 stars; one submission).

Conditions:
SLITRK5-related disorder. Also called: SLITRK5-related condition.

Submission:

PreventionGenetics, part of Exact Sciences
Classification: Likely benign for SLITRK5-related condition. Last evaluated: 2019-04-25. Review status: no assertion criteria provided. Collection method: clinical testing. Allele origin: germline.
Comment: This variant is classified as likely benign based on ACMG/AMP sequence variant interpretation guidelines (Richards et al. 2015 PMID: 25741868, with internal and published modifications).

NM_001384609.1(SLITRK5):c.2464A>C (p.Arg822=)

Gene: SLITRK5 (SLIT and NTRK like family member 5; plus strand). Cytogenetic location: 13q31.2.
Variant type: single nucleotide variant.
Coding change: c.2464A>C on transcript NM_001384609.1 (MANE Select); coding-DNA position 2464, A replaced by C.
Protein change: p.Arg822=; no amino-acid change (arginine 822 retained).
Molecular consequence: synonymous variant.
Genome position (GRCh38, 1-based): chr13:87,677,852, A>C. VCF-style: chr13-87677852-A-C. GRCh37 (hg19) VCF-style: chr13-88330107-A-C.
Other names: c.2464A>C, p.Arg822= (NM_001384610.1, NM_015567.2).
Identifiers: ClinVar variation 3352824 (VCV003352824.1).
Genomic context (GRCh38, chr13:87,677,852, plus strand): 5'-CCGCAGCAGCCACAGCAGCAGCCCCCGCCGCAGCTGCAGCTGCAGCCCGGGGAGGAGGAG[A>C]GGCGGGAAAGCCACCACTTGCGGAGCCCCGCCTACAGCGTCAGCACCATCGAGCCCCGGG-3'
Protein context (NP_001371538.1, residues 812-832): QLQLQPGEEE[Arg822=]RESHHLRSPA